The following is an entry in ClinVar:

ClinVar aggregate classification (germline): Likely benign. Review status: criteria provided, single submitter (1 of 4 stars). 2 submissions from 1 submitter: Likely benign (2). Last evaluated 2018-01-12.

Conditions:
Susceptibility to mononeuropathy of the median nerve, mild. Also called: CARPAL TUNNEL SYNDROME, SUSCEPTIBILITY TO. Identifiers: MedGen C3150596, MONDO:0013237, OMIM 613353.
Charcot-Marie-Tooth disease type 4C (CMT4C). Also called: CHARCOT-MARIE-TOOTH DISEASE, DEMYELINATING, AUTOSOMAL RECESSIVE, TYPE 4C; CMT 4C; Charcot-Marie-Tooth Neuropathy Type 4C (CMT4C); CHARCOT-MARIE-TOOTH DISEASE, DEMYELINATING, TYPE 4C; SH3TC2-Related Hereditary Motor and Sensory Neuropathy. Identifiers: Orphanet 99949, MedGen C1866636, MONDO:0011113, OMIM 601596.

Allele frequency attached by ClinVar (database versions not stated): gnomAD 0.00055 and 0.00057; TOPMed 0.00071; 1000 Genomes Project 30x 0.00078; 1000 Genomes Project 0.00100.

Submissions (2):

Illumina Laboratory Services, Illumina
Classification: Likely benign for Charcot-Marie-Tooth disease type 4C. Last evaluated: 2018-01-12. Review status: criteria provided, single submitter. Criteria: ICSL Variant Classification Criteria 13 December 2019. Collection method: clinical testing. Allele origin: germline.
Comment: This variant was observed in the ICSL laboratory as part of a predisposition screen in an ostensibly healthy population. It had not been previously curated by ICSL or reported in the Human Gene Mutation Database (HGMD: prior to June 1st, 2018), and was therefore a candidate for classification through an automated scoring system. Utilizing variant allele frequency, disease prevalence and penetrance estimates, and inheritance mode, an automated score was calculated to assess if this variant is too frequent to cause the disease. Based on the score and internal cut-off values, a variant classified as likely benign is not then subjected to further curation. The score for this variant resulted in a classification of likely benign for this disease.

Illumina Laboratory Services, Illumina
Classification: Likely benign for Susceptibility to mononeuropathy of the median nerve, mild. Last evaluated: 2018-01-12. Review status: criteria provided, single submitter. Criteria: ICSL Variant Classification Criteria 13 December 2019. Collection method: clinical testing. Allele origin: germline.
Comment: the same text as in the submission from Illumina Laboratory Services, Illumina above.

NM_024577.4(SH3TC2):c.*6993T>C

Gene: SH3TC2 (SH3 domain and tetratricopeptide repeats 2; minus strand). Cytogenetic location: 5q32.
Variant type: single nucleotide variant.
Coding change: c.*6993T>C on transcript NM_024577.4 (MANE Select); 6993 bases downstream of the stop codon, T replaced by C.
Molecular consequence: 3 prime UTR variant.
Genome position (GRCh38, 1-based): chr5:148,997,718, A>G on the plus strand (T>C on the coding strand, the complement: SH3TC2 is on the minus strand). VCF-style: chr5-148997718-A-G. GRCh37 (hg19) VCF-style: chr5-148377281-A-G.
Identifiers: ClinVar variation 351778 (VCV000351778.5), dbSNP rs563203537, ClinGen allele CA10619515.
Genomic context (GRCh38, chr5:148,997,718, plus strand): 5'-TCAGAGATGTGTCACCTGACAGAAACACAATATAATATAATGGTTTCATTTCCTAGCTCC[A>G]GCATCAGAGGACATGACTTCAAATTTCACCTCGATCACCACTAACTGTGGACTTAGACAA-3'